The following is an entry in ClinVar:

NM_201384.3(PLEC):c.1027T>C (p.Tyr343His)

Gene: PLEC (plectin; minus strand). Cytogenetic location: 8q24.3.
Variant type: single nucleotide variant.
Coding change: c.1027T>C on transcript NM_201384.3 (MANE Select); coding-DNA position 1027, T replaced by C.
Protein change: p.Tyr343His; replaces tyrosine 343 with histidine.
Molecular consequence: missense variant.
Genome position (GRCh38, 1-based): chr8:143,934,649, A>G on the plus strand (T>C on the coding strand, the complement: PLEC is on the minus strand). VCF-style: chr8-143934649-A-G. GRCh37 (hg19) VCF-style: chr8-145008817-A-G.
Other names: c.1438T>C, p.Tyr480His (NM_201380.4); c.931T>C, p.Tyr311His (NM_201381.3); c.1027T>C, p.Tyr343His (NM_201382.4); c.1039T>C, p.Tyr347His (NM_201383.3); c.1108T>C, p.Tyr370His (NM_000445.5, NM_001410941.1); c.985T>C, p.Tyr329His (NM_201378.4); c.961T>C, p.Tyr321His (NM_201379.3); short protein forms Y343H, Y370H, Y480H, Y329H, Y311H, Y321H, Y347H.
Identifiers: ClinVar variation 2927652 (VCV002927652.3), dbSNP rs1554721105, ClinGen allele CA372585305.
Genomic context (GRCh38, chr8:143,934,649, plus strand): 5'-TGGGGCGTTCCAGGACACCACCCACCCCTCCAGCGGTCCCACTCACCTCCAGGGATTGGT[A>G]GATGCCCTTGGACCTGTTCTTGTCGGCCTCCTTGGCTGGTAGCTCCATCTCCTTAAACTT-3'
Protein context (NP_958786.1, residues 333-353): EADKNRSKGI[Tyr343His]QSLEGAVQAG

ClinVar aggregate classification (germline): Uncertain significance (1 of 4 stars; one submission).

Conditions:
Epidermolysis bullosa simplex with nail dystrophy (EBS5D). Identifiers: MedGen C4225309, MONDO:0014661, OMIM 616487.
Epidermolysis bullosa simplex 5B, with muscular dystrophy (EBS5B). Also called: EPIDERMOLYSIS BULLOSA SIMPLEX AND LIMB-GIRDLE MUSCULAR DYSTROPHY; Epidermolysis bullosa simplex with muscular dystrophy. Identifiers: Orphanet 257, MedGen C2931072, MONDO:0009181, OMIM 226670.
Epidermolysis bullosa simplex 5C, with pyloric atresia (EBS5C). Also called: PLEC-Related Epidermolysis Bullosa with Pyloric Atresia; Epidermolysis bullosa simplex with pyloric atresia; PLEC1-Related Epidermolysis Bullosa with Pyloric Atresia. Identifiers: Orphanet 158684, MedGen C2677349, MONDO:0012807, OMIM 612138.
Autosomal recessive limb-girdle muscular dystrophy type 2Q (LGMDR17). Also called: MUSCULAR DYSTROPHY, LIMB-GIRDLE, AUTOSOMAL RECESSIVE 17. Identifiers: Orphanet 254361, MedGen C3150989, MONDO:0013390, OMIM 613723.
Epidermolysis bullosa simplex, Ogna type (EBS5A). Also called: Pidermolysis bullosa simplex 5A, Ogna type; EPIDERMOLYSIS BULLOSA SIMPLEX 5A, OGNA TYPE. Identifiers: Orphanet 79401, MedGen C0432317, MONDO:0007555, OMIM 131950.

Allele frequency attached by ClinVar (database versions not stated): gnomAD exomes 0.00001.

Submission:

Labcorp Genetics (formerly Invitae), Labcorp
Classification: Uncertain significance for Autosomal recessive limb-girdle muscular dystrophy type 2Q; Epidermolysis bullosa simplex, Ogna type; Epidermolysis bullosa simplex with nail dystrophy; Epidermolysis bullosa simplex 5C, with pyloric atresia; Epidermolysis bullosa simplex 5B, with muscular dystrophy. Last evaluated: 2025-04-14. Review status: criteria provided, single submitter. Criteria: Invitae Variant Classification Sherloc (09022015). Collection method: clinical testing. Allele origin: germline.
Comment: This sequence change replaces tyrosine, which is neutral and polar, with histidine, which is basic and polar, at codon 370 of the PLEC protein (p.Tyr370His). This variant is present in population databases (no rsID available, gnomAD 0.0009%). This variant has not been reported in the literature in individuals affected with PLEC-related conditions. ClinVar contains an entry for this variant (Variation ID: 2927652). Experimental studies and prediction algorithms are not available or were not evaluated, and the functional significance of this variant is currently unknown. In summary, the available evidence is currently insufficient to determine the role of this variant in disease. Therefore, it has been classified as a Variant of Uncertain Significance.